The following is an entry in ClinVar:

NM_031448.6(C19orf12):c.-6G>A

Gene: C19orf12 (chromosome 19 open reading frame 12; minus strand). Cytogenetic location: 19q12.
Variant type: single nucleotide variant.
Coding change: c.-6G>A on transcript NM_031448.6 (MANE Select); 6 bases upstream of the start codon, G replaced by A.
Molecular consequence: 5 prime UTR variant. On other transcripts: intron variant (2).
Genome position (GRCh38, 1-based): chr19:29,708,419, C>T on the plus strand (G>A on the coding strand, the complement: C19orf12 is on the minus strand). VCF-style: chr19-29708419-C-T. GRCh37 (hg19) VCF-style: chr19-30199326-C-T.
Other names: c.-6G>A (NM_001031726.4, NM_001256046.3, NM_001256047.2); c.-319G>A (NM_001282931.3); c.-32-5442G>A (NM_001282929.1, NM_001282930.3).
Identifiers: ClinVar variation 1682842 (VCV001682842.7), dbSNP rs781205888, ClinGen allele CA9352005.

ClinVar aggregate classification (germline): Uncertain significance. Review status: criteria provided, multiple submitters, no conflicts (2 of 4 stars). 2 submissions from 2 submitters: Uncertain significance (2). Last evaluated 2024-09-20.

Conditions:
Hereditary spastic paraplegia 43. Also called: Spastic paraplegia 43, autosomal recessive. Identifiers: Orphanet 320370, MedGen C2680446, MONDO:0014024, OMIM 615043.

Allele frequency attached by ClinVar (database versions not stated): gnomAD exomes 0.00001; TOPMed 0.00001; ExAC 0.00002.
gnomAD v4.1: 9 of 1,613,606 alleles (0.00056%); highest among the groups gnomAD compares: Admixed American, 0.0033%; no homozygotes.

Submissions (2):

Blueprint Genetics
Classification: Uncertain significance. Last evaluated: 2024-09-20. Review status: criteria provided, single submitter. Criteria: ACMG Guidelines, 2015. Collection method: clinical testing. Allele origin: germline.

Labcorp Genetics (formerly Invitae), Labcorp
Classification: Uncertain significance for Hereditary spastic paraplegia 43. Last evaluated: 2024-09-06. Review status: criteria provided, single submitter. Criteria: Invitae Variant Classification Sherloc (09022015). Collection method: clinical testing. Allele origin: germline.
Comment: This sequence change replaces alanine, which is neutral and non-polar, with threonine, which is neutral and polar, at codon 10 of the C19orf12 protein (p.Ala10Thr). This variant is present in population databases (rs781205888, gnomAD 0.006%). This variant has not been reported in the literature in individuals affected with C19orf12-related conditions. ClinVar contains an entry for this variant (Variation ID: 1682842). An algorithm developed to predict the effect of missense changes on protein structure and function (PolyPhen-2) suggests that this variant is likely to be disruptive. In summary, the available evidence is currently insufficient to determine the role of this variant in disease. Therefore, it has been classified as a Variant of Uncertain Significance.